The following is an entry in ClinVar:

ClinVar aggregate classification (germline): Pathogenic/Likely pathogenic. Review status: criteria provided, multiple submitters, no conflicts (2 of 4 stars). 2 submissions from 2 submitters: Pathogenic (1); Likely pathogenic (1). Last evaluated 2024-06-07.

Conditions:
Mucopolysaccharidosis, MPS-II (MPS2). Also called: Mucopolysaccharidosis type 2; Hunter Syndrome; IDURONATE 2-SULFATASE DEFICIENCY; Mucopolysaccharidosis Type II; IDS deficiency; Sulfoiduronate sulfatase deficiency. Identifiers: Orphanet 580, Orphanet 79388, MedGen C0026705, MONDO:0010674, OMIM 309900.

Submissions (2):

Laboratory of Diagnosis and Therapy of Lysosomal Disorders, University of Padova
Classification: Likely pathogenic for Mucopolysaccharidosis, MPS-II. Last evaluated: 2024-06-07. Review status: criteria provided, single submitter. Criteria: ACMG Guidelines, 2015. Collection method: literature only. Allele origin: germline. Affected: yes. Observed: 1 variant allele.
Comment: Null variant (PVS1_Strong), Absent from controls (or at low frequency) in gnomAD database (PM2_Moderate), Patient’s phenotype or family history highly specific for the disease (PP4_Moderate)

Classification method: ACMG Guidelines [PMID:25741868] with modifications

Department of Medical Genetics, Sanjay Gandhi Post Graduate Institute of Medical Sciences
Classification: Pathogenic for Mucopolysaccharidosis, MPS-II. Review status: criteria provided, single submitter. Criteria: ACMG Guidelines, 2015. Collection method: clinical testing. Allele origin: germline. Inheritance: X-linked recessive inheritance. Affected: yes. Observed: 1 variant allele, 1 hemizygote.

Literature cited by the submitters: PubMed 35144014 (cited by Laboratory of Diagnosis and Therapy of Lysosomal Disorders, University of Padova).

NM_000202.8(IDS):c.1470T>G (p.Tyr490Ter)

Gene: IDS (iduronate 2-sulfatase; minus strand). Cytogenetic location: Xq28.
Variant type: single nucleotide variant.
Coding change: c.1470T>G on transcript NM_000202.8 (MANE Select); coding-DNA position 1470, T replaced by G.
Protein change: p.Tyr490Ter; replaces tyrosine 490 with a stop codon.
Molecular consequence: nonsense.
Genome position (GRCh38, 1-based): chrX:149,482,929, A>C on the plus strand (T>G on the coding strand, the complement: IDS is on the minus strand). VCF-style: chrX-149482929-A-C. GRCh37 (hg19) VCF-style: chrX-148564460-A-C.
Other names: c.1200T>G, p.Tyr400Ter (NM_001166550.4); short protein forms Y400*, Y490*.
Identifiers: ClinVar variation 997033 (VCV000997033.3), dbSNP rs2123994176, ClinGen allele CA414518017.